The following is an entry in ClinVar:

ClinVar aggregate classification (germline): Conflicting classifications of pathogenicity. Review status: criteria provided, conflicting classifications (1 of 4 stars). 6 submissions from 6 submitters: Uncertain significance (4); Likely benign (1). 1 of the submissions does not count toward it. Last evaluated 2025-08-11.

Conditions:
TTN-related disorder. Also called: TTN-related condition; TTN-related disease; TTN-related disorders.
Autosomal recessive limb-girdle muscular dystrophy type 2J (LGMDR10). Also called: MUSCULAR DYSTROPHY, LIMB-GIRDLE, AUTOSOMAL RECESSIVE 10; Limb-girdle muscular dystrophy, type 2J. Identifiers: Orphanet 140922, MedGen C1837342, MONDO:0012127, OMIM 608807.
Tibial muscular dystrophy (TMD). Also called: Udd Distal Myopathy – Tibial Muscular Dystrophy; UDD MYOPATHY; Tibial muscular dystrophy, tardive. Identifiers: Orphanet 609, MedGen C1838244, MONDO:0010870, OMIM 600334.
Dilated cardiomyopathy 1G (CMD1G). Identifiers: Orphanet 154, MedGen C1858763, MONDO:0011400, OMIM 604145.
Early-onset myopathy with fatal cardiomyopathy (CMYO5). Also called: CONGENITAL MYOPATHY 5 WITH CARDIOMYOPATHY; Salih Myopathy. Identifiers: Orphanet 289377, MedGen C2673677, MONDO:0012714, OMIM 611705. Disease mechanism: loss of function.
Myopathy, myofibrillar, 9, with early respiratory failure (MFM9). Also called: EDSTROM MYOPATHY; MYOPATHY, PROXIMAL, WITH EARLY RESPIRATORY MUSCLE INVOLVEMENT; Hereditary myopathy with early respiratory failure; Myopathy, distal, with early respiratory failure, autosomal dominant. Identifiers: Orphanet 178464, Orphanet 34521, MedGen C1863599, MONDO:0011362, OMIM 603689.
Hypertrophic cardiomyopathy 9. Also called: Familial hypertrophic cardiomyopathy 9. Identifiers: MedGen C1861065, MONDO:0013412, OMIM 613765.

Allele frequency attached by ClinVar (database versions not stated): gnomAD exomes below 0.00001 and 0.00001; ExAC 0.00002; gnomAD 0.00002 and 0.00003; TOPMed 0.00002; ESP Exome Variant Server 0.00008.
gnomAD v4.1: 10 of 1,593,434 alleles (0.00063%); highest among the groups gnomAD compares: Admixed American, 0.0034%; no homozygotes.

Submissions (6):

GeneDx
Classification: Uncertain significance. Last evaluated: 2025-08-11. Review status: criteria provided, single submitter. Criteria: GeneDx Variant Classification Process June 2021. Collection method: clinical testing. Allele origin: germline. Affected: yes.
Comment: Not observed at significant frequency in large population cohorts (gnomAD); Missense variant in a gene in which most reported pathogenic variants are truncating/loss of function; Has not been previously published as pathogenic or benign to our knowledge

Molecular Diagnostic Laboratory for Inherited Cardiovascular Disease, Montreal Heart Institute
Classification: Likely benign. Last evaluated: 2025-04-09. Review status: criteria provided, single submitter. Criteria: ACMG Guidelines, 2015. Collection method: clinical testing. Allele origin: germline. Affected: no.
Comment: BP1

Mayo Clinic Laboratories, Mayo Clinic
Classification: Uncertain significance. Last evaluated: 2023-12-27. Review status: criteria provided, single submitter. Criteria: ACMG Guidelines, 2015. Collection method: clinical testing. Allele origin: germline. Observed: 1 variant allele.

Fulgent Genetics
Classification: Uncertain significance for Tibial muscular dystrophy; Myopathy, myofibrillar, 9, with early respiratory failure; Dilated cardiomyopathy 1G; Autosomal recessive limb-girdle muscular dystrophy type 2J; Early-onset myopathy with fatal cardiomyopathy; Hypertrophic cardiomyopathy 9. Last evaluated: 2021-10-19. Review status: criteria provided, single submitter. Criteria: ACMG Guidelines, 2015. Collection method: clinical testing. Allele origin: unknown.

Laboratory for Molecular Medicine, Mass General Brigham Personalized Medicine
Classification: Uncertain significance. Last evaluated: 2016-03-02. Review status: criteria provided, single submitter. Criteria: LMM Criteria. Collection method: clinical testing. Allele origin: germline. Observed: 4 variant alleles.
Comment: The p.Arg6261Gly variant in TTN has not been previously reported in individuals with cardiomyopathy, but has been identified in 1/63734 European chromosomes by the Exome Aggregation Consortium (ExAC; dbSNP rs 372826489). Computational prediction tools and conservation analysis do not prov ide strong support for or against an impact to the protein. In summary, the clin ical significance of the p.Arg6261Gly variant is uncertain.

PreventionGenetics, part of Exact Sciences
Classification: Uncertain significance for TTN-related condition. Last evaluated: 2024-08-19. Review status: no assertion criteria provided. Collection method: clinical testing. Allele origin: germline. Not counted in ClinVar's aggregate classification.
Comment: The TTN c.22513A>G variant is predicted to result in the amino acid substitution p.Arg7505Gly. To our knowledge, this variant has not been reported in the literature. This variant is present in 2 alleles out of ~231,000 alleles in the gnomAD database. At this time, the clinical significance of this variant is uncertain due to the absence of conclusive functional and genetic evidence.

NM_001267550.2(TTN):c.22513A>G (p.Arg7505Gly)

Gene: TTN (titin; minus strand). Cytogenetic location: 2q31.2.
Variant type: single nucleotide variant.
Coding change: c.22513A>G on transcript NM_001267550.2 (MANE Select); coding-DNA position 22513, A replaced by G.
Protein change: p.Arg7505Gly; replaces arginine 7505 with glycine.
Molecular consequence: missense variant. On other transcripts: intron variant (3).
Genome position (GRCh38, 1-based): chr2:178,722,274, T>C on the plus strand (A>G on the coding strand, the complement: TTN is on the minus strand). VCF-style: chr2-178722274-T-C. GRCh37 (hg19) VCF-style: chr2-179587001-T-C.
Other names: p.Arg7188Gly; c.18781A>G, p.Arg6261Gly (NM_133378.4); c.22513A>G (NM_001267550.1); c.21562A>G, p.Arg7188Gly (NM_001256850.1); c.13282+15808A>G (NM_003319.4); c.13858+15808A>G (NM_133437.4); c.13657+15808A>G (NM_133432.3); short protein forms R6261G, R7505G, R7188G.
Identifiers: ClinVar variation 229397 (VCV000229397.10), dbSNP rs372826489, ClinGen allele CA2000827.
Genomic context (GRCh38, chr2:178,722,274, plus strand): 5'-ATGAAGCCACAGTTTGCAAAGAAAAAGAGTGACGTGTGAACAAACCTCTTGCTGTGAGTC[T>C]AGCACTAGAAGATGCTGTTCCAAGTGGGTTGGAAGCTGAGCAAGAGTACTGGCCAGAGTG-3'
Protein context (NP_001254479.2, residues 7495-7515): NPLGTASSSA[Arg7505Gly]LTAREPKKSP